The following is an entry in ClinVar:

ClinVar aggregate classification (germline): Likely pathogenic (1 of 4 stars; one submission).

Conditions:
UDPglucose-4-epimerase deficiency. Also called: UDP-GALACTOSE-4-EPIMERASE DEFICIENCY; Galactose epimerase deficiency; GALACTOSEMIA III; GALE DEFICIENCY; UDPglucose 4-Epimerase Deficiency Disease; Epimerase Deficiency Galactosemia. Identifiers: Orphanet 352, Orphanet 79238, MedGen C0751161, MONDO:0009257, OMIM 230350.

gnomAD v4.1: 1 of 1,611,654 alleles (0.000062%); highest among the groups gnomAD compares: South Asian, 0.0011%; no homozygotes.

Submission:

Labcorp Genetics (formerly Invitae), Labcorp
Classification: Likely pathogenic for UDPglucose-4-epimerase deficiency. Last evaluated: 2022-07-06. Review status: criteria provided, single submitter. Criteria: Invitae Variant Classification Sherloc (09022015). Collection method: clinical testing. Allele origin: germline.
Comment: In summary, the currently available evidence indicates that the variant is pathogenic, but additional data are needed to prove that conclusively. Therefore, this variant has been classified as Likely Pathogenic. Algorithms developed to predict the effect of sequence changes on RNA splicing suggest that this variant may disrupt the consensus splice site. This variant has not been reported in the literature in individuals affected with GALE-related conditions. This variant is not present in population databases (gnomAD no frequency). This sequence change affects a donor splice site in intron 10 of the GALE gene. It is expected to disrupt RNA splicing. Variants that disrupt the donor or acceptor splice site typically lead to a loss of protein function (PMID: 16199547), and loss-of-function variants in GALE are known to be pathogenic (PMID: 16301867).

Literature cited by the submitters: PubMed 16199547; PubMed 16301867.

NM_001008216.2(GALE):c.873+2T>C

Gene: GALE (UDP-galactose-4-epimerase; minus strand). Cytogenetic location: 1p36.11.
Variant type: single nucleotide variant.
Coding change: c.873+2T>C on transcript NM_001008216.2 (MANE Select); the canonical splice donor site of the intron after coding-DNA position 873, T replaced by C.
Molecular consequence: splice donor variant.
Genome position (GRCh38, 1-based): chr1:23,796,507, A>G on the plus strand (T>C on the coding strand, the complement: GALE is on the minus strand). VCF-style: chr1-23796507-A-G. GRCh37 (hg19) VCF-style: chr1-24122997-A-G.
Other names: c.873+2T>C (NM_000403.4, NM_001127621.2).
Identifiers: ClinVar variation 2014728 (VCV002014728.5), dbSNP rs1638960014, ClinGen allele CA339006549.